The following is an entry in ClinVar:

ClinVar aggregate classification (germline): Uncertain significance (1 of 4 stars; one submission).

gnomAD v4.1: 2 of 1,536,138 alleles (0.00013%); highest among the groups gnomAD compares: African/African-American, 0.0014%; no homozygotes.

Submission:

Dasa
Classification: Uncertain significance. Last evaluated: 2025-08-12. Review status: criteria provided, single submitter. Criteria: DASA Assertion Criteria. Collection method: clinical testing. Allele origin: germline.
Comment: NM_001388303.1(HECTD4):c.638T>C (p.Ile213Thr) is a missense variant that results in the substitution of isoleucine with threonine. This variant is rare in population databases. The currently available literature and clinical evidence are not sufficient to establish a definitive association between this variant and the reported condition. Therefore, this variant is classified as a variant of uncertain significance.

NM_001388303.1(HECTD4):c.638T>C (p.Ile213Thr)

Gene: HECTD4 (HECT domain E3 ubiquitin protein ligase 4; minus strand). Cytogenetic location: 12q24.13.
Variant type: single nucleotide variant.
Coding change: c.638T>C on transcript NM_001388303.1 (MANE Select); coding-DNA position 638, T replaced by C.
Protein change: p.Ile213Thr; replaces isoleucine 213 with threonine.
Molecular consequence: missense variant.
Genome position (GRCh38, 1-based): chr12:112,319,282, A>G on the plus strand (T>C on the coding strand, the complement: HECTD4 is on the minus strand). VCF-style: chr12-112319282-A-G. GRCh37 (hg19) VCF-style: chr12-112757086-A-G.
Other names: c.638T>C, p.Ile213Thr (NM_001109662.4); short protein forms I213T.
Identifiers: ClinVar variation 5020891 (VCV005020891.1).